The following is an entry in ClinVar:

NM_001849.4(COL6A2):c.1817-4_1817-3dup

Gene: COL6A2 (collagen type VI alpha 2 chain; plus strand). Cytogenetic location: 21q22.3.
Variant type: Duplication.
Coding change: c.1817-4_1817-3dup on transcript NM_001849.4 (MANE Select); 4 bases into the intron before coding-DNA position 1817 through 3 bases into the intron before coding-DNA position 1817, 2 bases duplicated (CC; older notation c.1817-4_1817-3dupCC).
Molecular consequence: intron variant.
Genome position (GRCh38, 1-based): chr21:46,125,461-46,125,462, CC duplicated; duplicating any 2 consecutive bases within chr21:46,125,456-46,125,462 gives the same sequence; the c. name uses the placement nearest the transcript's 3' end. VCF-style (leftmost placement, unchanged base first): chr21-46125455-A-ACC. GRCh37 (hg19) VCF-style: chr21-47545369-A-ACC.
Other names: p.?; c.1817-4_1817-3dupCC (NM_001849.3); c.1817-4_1817-3dup (NM_058175.3, NM_058174.3).
Identifiers: ClinVar variation 290341 (VCV000290341.21), dbSNP rs149954350, ClinGen allele CA10072289.
Genomic context (GRCh38, chr21:46,125,455, plus strand): 5'-CTGCATGTGCACGTGACCCTAGGGTCTGAGGTCTCCCCGGTACCCCCCGATGACCCTGCC[A>ACC]CCCCCCCAGACTGTGAGAAGCGCTGTGGCGCCCTGGACGTGGTCTTCGTCATCGACAGCT-3'

ClinVar aggregate classification (germline): Benign/Likely benign. Review status: criteria provided, multiple submitters, no conflicts (2 of 4 stars). 4 submissions from 4 submitters: Benign (1); Likely benign (3). Last evaluated 2025-11-10.

Conditions:
Bethlem myopathy 1A. Also called: MYOPATHY, BENIGN CONGENITAL, WITH CONTRACTURES; Bethlem myopathy 1; Bethlem Muscular Dystrophy. Identifiers: Orphanet 610, MedGen CN029274, MONDO:0024530, OMIM 158810.

Submissions (4):

Labcorp Genetics (formerly Invitae), Labcorp
Classification: Benign for Bethlem myopathy 1A. Last evaluated: 2025-11-10. Review status: criteria provided, single submitter. Criteria: Invitae Variant Classification Sherloc (09022015). Collection method: clinical testing. Allele origin: germline.

Mayo Clinic Laboratories, Mayo Clinic
Classification: Likely benign. Last evaluated: 2025-10-22. Review status: criteria provided, single submitter. Criteria: ACMG Guidelines, 2015. Collection method: clinical testing. Allele origin: germline. Observed: 2 variant alleles.
Comment: BS1, BS2_supporting

Blueprint Genetics
Classification: Likely benign. Last evaluated: 2024-06-21. Review status: criteria provided, single submitter. Criteria: ACMG Guidelines, 2015. Collection method: clinical testing. Allele origin: germline.

Eurofins Ntd Llc (ga)
Classification: Likely benign. Last evaluated: 2016-09-05. Review status: criteria provided, single submitter. Criteria: EGL Classification Definitions. Collection method: clinical testing. Allele origin: germline. Observed: 1 variant allele, 1 heterozygote.